The following is an entry in ClinVar:

NM_000135.4(FANCA):c.1498C>G (p.Pro500Ala)

Gene: FANCA (FA complementation group A; minus strand). Cytogenetic location: 16q24.3.
Variant type: single nucleotide variant.
Coding change: c.1498C>G on transcript NM_000135.4 (MANE Select); coding-DNA position 1498, C replaced by G.
Protein change: p.Pro500Ala; replaces proline 500 with alanine.
Molecular consequence: missense variant.
Genome position (GRCh38, 1-based): chr16:89,783,075, G>C on the plus strand (C>G on the coding strand, the complement: FANCA is on the minus strand). VCF-style: chr16-89783075-G-C. GRCh37 (hg19) VCF-style: chr16-89849483-G-C.
Other names: c.1498C>G, p.Pro500Ala (NM_001286167.3); short protein forms P500A.
Identifiers: ClinVar variation 1402917 (VCV001402917.6), dbSNP rs776371246, ClinGen allele CA397458182.

ClinVar aggregate classification (germline): Uncertain significance (1 of 4 stars; one submission).

Conditions:
Fanconi anemia (FA). Also called: Fanconi's anemia. Identifiers: Orphanet 84, MedGen C0015625, MeSH D005199, MONDO:0019391.

Submission:

Labcorp Genetics (formerly Invitae), Labcorp
Classification: Uncertain significance for Fanconi anemia. Last evaluated: 2021-10-01. Review status: criteria provided, single submitter. Criteria: Invitae Variant Classification Sherloc (09022015). Collection method: clinical testing. Allele origin: germline.
Comment: Advanced modeling of protein sequence and biophysical properties (such as structural, functional, and spatial information, amino acid conservation, physicochemical variation, residue mobility, and thermodynamic stability) performed at Invitae indicates that this missense variant is expected to disrupt FANCA protein function. In summary, the available evidence is currently insufficient to determine the role of this variant in disease. Therefore, it has been classified as a Variant of Uncertain Significance. This variant has not been reported in the literature in individuals affected with FANCA-related conditions. This variant is not present in population databases (ExAC no frequency). This sequence change replaces proline with alanine at codon 500 of the FANCA protein (p.Pro500Ala). The proline residue is highly conserved and there is a small physicochemical difference between proline and alanine.